The following is an entry in ClinVar:

ClinVar aggregate classification (germline): Uncertain significance. Review status: criteria provided, multiple submitters, no conflicts (2 of 4 stars). 2 submissions from 2 submitters: Uncertain significance (2). Last evaluated 2025-09-11.

gnomAD v4.1: 38 of 1,614,022 alleles (0.0024%); highest among the groups gnomAD compares: Admixed American, 0.02%; no homozygotes.

Submissions (2):

Labcorp Genetics (formerly Invitae), Labcorp
Classification: Uncertain significance. Last evaluated: 2025-09-11. Review status: criteria provided, single submitter. Criteria: Invitae Variant Classification Sherloc (09022015). Collection method: clinical testing. Allele origin: germline.
Comment: This sequence change replaces threonine, which is neutral and polar, with methionine, which is neutral and non-polar, at codon 552 of the TRAP1 protein (p.Thr552Met). This variant is present in population databases (rs765500192, gnomAD 0.02%). This variant has not been reported in the literature in individuals affected with TRAP1-related conditions. ClinVar contains an entry for this variant (Variation ID: 2722293). Invitae Evidence Modeling of protein sequence and biophysical properties (such as structural, functional, and spatial information, amino acid conservation, physicochemical variation, residue mobility, and thermodynamic stability) indicates that this missense variant is not expected to disrupt TRAP1 protein function with a negative predictive value of 80%. In summary, the available evidence is currently insufficient to determine the role of this variant in disease. Therefore, it has been classified as a Variant of Uncertain Significance.

Ambry Genetics
Classification: Uncertain significance. Last evaluated: 2023-10-13. Review status: criteria provided, single submitter. Criteria: Ambry Variant Classification Scheme 2023. Collection method: clinical testing. Allele origin: germline.

NM_016292.3(TRAP1):c.1655C>T (p.Thr552Met)

Genes: DNASE1 (deoxyribonuclease 1; plus strand), TRAP1 (TNF receptor associated protein 1; minus strand). Cytogenetic location: 16p13.3.
Variant type: single nucleotide variant.
Coding change: c.1655C>T on transcript NM_016292.3 (MANE Select); coding-DNA position 1655, C replaced by T.
Protein change: p.Thr552Met; replaces threonine 552 with methionine.
Molecular consequence: missense variant. On other transcripts: 3 prime UTR variant (1).
Genome position (GRCh38, 1-based): chr16:3,663,477, G>A on the plus strand (C>T on the coding strand, the complement: TRAP1 is on the minus strand). VCF-style: chr16-3663477-G-A. GRCh37 (hg19) VCF-style: chr16-3713478-G-A.
Other names: c.1496C>T, p.Thr499Met (NM_001272049.2); c.*853G>A (NM_001387140.1); short protein forms T499M, T552M.
Identifiers: ClinVar variation 2722293 (VCV002722293.4), dbSNP rs765500192, ClinGen allele CA7867980.